The following is an entry in ClinVar:

ClinVar aggregate classification (germline): Uncertain significance (1 of 4 stars; one submission).

Conditions:
Rubinstein-Taybi syndrome due to EP300 haploinsufficiency. Also called: EP300-Related Rubinstein-Taybi Syndrome; RUBINSTEIN-TAYBI SYNDROME 2. Identifiers: Orphanet 353284, Orphanet 783, MedGen C3150941, MONDO:0013364, OMIM 613684.

gnomAD v4.1: 3 of 1,614,050 alleles (0.00019%); highest among the groups gnomAD compares: Non-Finnish European, 0.00025%; no homozygotes.

Submission:

Labcorp Genetics (formerly Invitae), Labcorp
Classification: Uncertain significance for Rubinstein-Taybi syndrome due to EP300 haploinsufficiency. Last evaluated: 2025-06-29. Review status: criteria provided, single submitter. Criteria: Invitae Variant Classification Sherloc (09022015). Collection method: clinical testing. Allele origin: germline.
Comment: This sequence change falls in intron 29 of the EP300 gene. It does not directly change the encoded amino acid sequence of the EP300 protein. It affects a nucleotide within the consensus splice site. This variant is not present in population databases (gnomAD no frequency). This variant has not been reported in the literature in individuals affected with EP300-related conditions. ClinVar contains an entry for this variant (Variation ID: 3696710). Variants that disrupt the consensus splice site are a relatively common cause of aberrant splicing (PMID: 17576681, 9536098). Algorithms developed to predict the effect of sequence changes on RNA splicing suggest that this variant is not likely to affect RNA splicing. In summary, the available evidence is currently insufficient to determine the role of this variant in disease. Therefore, it has been classified as a Variant of Uncertain Significance.

Literature cited by the submitters: PubMed 17576681; PubMed 9536098.

NM_001429.4(EP300):c.4779+5G>T

Gene: EP300 (EP300 lysine acetyltransferase; plus strand). Cytogenetic location: 22q13.2.
Variant type: single nucleotide variant.
Coding change: c.4779+5G>T on transcript NM_001429.4 (MANE Select); 5 bases into the intron after coding-DNA position 4779, G replaced by T.
Molecular consequence: intron variant.
Genome position (GRCh38, 1-based): chr22:41,173,789, G>T. VCF-style: chr22-41173789-G-T. GRCh37 (hg19) VCF-style: chr22-41569793-G-T.
Other names: c.4701+5G>T (NM_001362843.2).
Identifiers: ClinVar variation 3696710 (VCV003696710.2).